The following is an entry in ClinVar:

ClinVar aggregate classification (germline): Uncertain significance (1 of 4 stars; one submission).

Conditions:
Hereditary breast ovarian cancer syndrome. Also called: Hereditary breast and ovarian cancer syndrome; Hereditary breast and/or ovarian cancer syndrome; BRCA1- and BRCA2-Associated Hereditary Breast and Ovarian Cancer; Hereditary breast and ovarian cancer; Breast and ovarian cancer; Hereditary breast and ovarian cancer syndrome (HBOC). Identifiers: Orphanet 145, MedGen C0677776, MeSH D061325, MONDO:0003582. Disease mechanism: loss of function.

Submission:

Labcorp Genetics (formerly Invitae), Labcorp
Classification: Uncertain significance for Hereditary breast ovarian cancer syndrome. Last evaluated: 2023-10-15. Review status: criteria provided, single submitter. Criteria: Invitae Variant Classification Sherloc (09022015). Collection method: clinical testing. Allele origin: germline.
Comment: This sequence change replaces proline, which is neutral and non-polar, with arginine, which is basic and polar, at codon 346 of the BRCA1 protein (p.Pro346Arg). This variant is not present in population databases (gnomAD no frequency). This variant has not been reported in the literature in individuals affected with BRCA1-related conditions. Advanced modeling of protein sequence and biophysical properties (such as structural, functional, and spatial information, amino acid conservation, physicochemical variation, residue mobility, and thermodynamic stability) performed at Invitae indicates that this missense variant is not expected to disrupt BRCA1 protein function. In summary, the available evidence is currently insufficient to determine the role of this variant in disease. Therefore, it has been classified as a Variant of Uncertain Significance.

NM_007294.4(BRCA1):c.1037C>G (p.Pro346Arg)

Gene: BRCA1 (BRCA1 DNA repair associated; minus strand). Cytogenetic location: 17q21.31.
Variant type: single nucleotide variant.
Coding change: c.1037C>G on transcript NM_007294.4 (MANE Select); coding-DNA position 1037, C replaced by G.
Protein change: p.Pro346Arg; replaces proline 346 with arginine.
Molecular consequence: missense variant. On other transcripts: intron variant (137).
Genome position (GRCh38, 1-based): chr17:43,094,494, G>C on the plus strand (C>G on the coding strand, the complement: BRCA1 is on the minus strand). VCF-style: chr17-43094494-G-C. GRCh37 (hg19) VCF-style: chr17-41246511-G-C.
Other names: c.1034C>G, p.Pro345Arg (NM_001407615.1, NM_001407627.1, NM_001407628.1 and 22 more transcripts); c.1037C>G, p.Pro346Arg (NM_001407616.1, NM_001407617.1, NM_001407618.1 and 30 more transcripts); c.1028C>G, p.Pro343Arg (NM_001407646.1, NM_001407647.1); c.914C>G, p.Pro305Arg (NM_001407648.1, NM_001407664.1, NM_001407665.1 and 19 more transcripts); c.911C>G, p.Pro304Arg (NM_001407649.1, NM_001407670.1, NM_001407671.1 and 11 more transcripts); c.959C>G, p.Pro320Arg (NM_001407653.1, NM_001407654.1, NM_001407655.1 and 4 more transcripts); c.956C>G, p.Pro319Arg (NM_001407659.1, NM_001407660.1, NM_001407661.1 and 1 more transcripts); c.896C>G, p.Pro299Arg (NM_001407692.1, NM_001407694.1, NM_001407695.1 and 29 more transcripts); and 40 more; short protein forms P178R, P234R, P235R, P305R, P320R, P218R, P219R, P278R.
Identifiers: ClinVar variation 2768599 (VCV002768599.3), dbSNP rs1555592620, ClinGen allele CA10599984.